The following is an entry in ClinVar:

NM_005562.3(LAMC2):c.176del (p.Asn59fs)

Gene: LAMC2 (laminin subunit gamma 2; plus strand). Cytogenetic location: 1q25.3.
Variant type: Deletion.
Coding change: c.176del on transcript NM_005562.3 (MANE Select); coding-DNA position 176, one base deleted (A; older notation c.176delA).
Protein change: p.Asn59fs; shifts the reading frame from asparagine 59.
Molecular consequence: frameshift variant.
Genome position (GRCh38, 1-based): chr1:183,207,977, A deleted; the last of 2 consecutive A bases (chr1:183,207,976-183,207,977); deleting either gives the same sequence. VCF-style (leftmost placement, unchanged base first): chr1-183207975-CA-C. GRCh37 (hg19) VCF-style: chr1-183177110-CA-C.
Other names: c.176del, p.Asn59fs (NM_018891.3); short protein forms N59fs.
Identifiers: ClinVar variation 1726932 (VCV001726932.2), dbSNP rs2525976456, ClinGen allele CA2580061600.

ClinVar aggregate classification (germline): Likely pathogenic (1 of 4 stars; one submission).

Conditions:
Junctional epidermolysis bullosa gravis of Herlitz. Also called: Herlitz-type junctional epidermolysis bullosa; EPIDERMOLYSIS BULLOSA, JUNCTIONAL 1B, SEVERE; EPIDERMOLYSIS BULLOSA JUNCTIONALIS, HERLITZ TYPE; EPIDERMOLYSIS BULLOSA, JUNCTIONAL, HERLITZ-PEARSON TYPE; JEB-HERLITZ TYPE; Epidermolysis Bullosa Letalis. Identifiers: Orphanet 79404, MedGen C0079683, MONDO:0009182, OMIM 226700.

Submission:

Myriad Genetics, Inc.
Classification: Likely pathogenic for Junctional epidermolysis bullosa gravis of Herlitz. Last evaluated: 2022-01-02. Review status: criteria provided, single submitter. Criteria: Myriad Women's Health Autosomal Recessive and X-Linked Classification Criteria (2021). Collection method: clinical testing. Allele origin: unknown.
Comment: NM_005562.2(LAMC2):c.176delA(N59Tfs*50) is expected to be pathogenic in the context of junctional epidermolysis bullosa, LAMC2-related. This variant is predicted to lead to an abnormal or absent protein product due to the creation of a premature termination codon in LAMC2, a gene where loss-of-function variants are known to be pathogenic. Please note: this variant was assessed in the context of healthy population screening.